The following is an entry in ClinVar:

NM_001128840.3(CACNA1D):c.530T>G (p.Phe177Cys)

Gene: CACNA1D (calcium voltage-gated channel subunit alpha1 D; plus strand). Cytogenetic location: 3p21.1.
Variant type: single nucleotide variant.
Coding change: c.530T>G on transcript NM_001128840.3 (MANE Select); coding-DNA position 530, T replaced by G.
Protein change: p.Phe177Cys; replaces phenylalanine 177 with cysteine.
Molecular consequence: missense variant.
Genome position (GRCh38, 1-based): chr3:53,650,825, T>G. VCF-style: chr3-53650825-T-G. GRCh37 (hg19) VCF-style: chr3-53684852-T-G.
Other names: c.530T>G, p.Phe177Cys (NM_000720.4, NM_001128839.3); short protein forms F177C.
Identifiers: ClinVar variation 1719263 (VCV001719263.5), dbSNP rs1300567203, ClinGen allele CA353381272.

ClinVar aggregate classification (germline): Uncertain significance (1 of 4 stars; one submission).

Allele frequency attached by ClinVar (database versions not stated): gnomAD exomes below 0.00001.
gnomAD v4.1: 5 of 1,613,324 alleles (0.00031%); highest among the groups gnomAD compares: Non-Finnish European, 0.00042%; no homozygotes.

Submission:

Labcorp Genetics (formerly Invitae), Labcorp
Classification: Uncertain significance. Last evaluated: 2022-09-12. Review status: criteria provided, single submitter. Criteria: Invitae Variant Classification Sherloc (09022015). Collection method: clinical testing. Allele origin: germline.
Comment: Advanced modeling of protein sequence and biophysical properties (such as structural, functional, and spatial information, amino acid conservation, physicochemical variation, residue mobility, and thermodynamic stability) performed at Invitae indicates that this missense variant is not expected to disrupt CACNA1D protein function. In summary, the available evidence is currently insufficient to determine the role of this variant in disease. Therefore, it has been classified as a Variant of Uncertain Significance. This variant has not been reported in the literature in individuals affected with CACNA1D-related conditions. This sequence change replaces phenylalanine, which is neutral and non-polar, with cysteine, which is neutral and slightly polar, at codon 177 of the CACNA1D protein (p.Phe177Cys). This variant is present in population databases (no rsID available, gnomAD 0.007%).